The following is an entry in ClinVar:

NM_000353.3(TAT):c.1047del (p.Asn349fs)

Genes: TAT (tyrosine aminotransferase; minus strand), TAT-AS1 (TAT antisense RNA 1; plus strand). Cytogenetic location: 16q22.2.
Variant type: Deletion.
Coding change: c.1047del on transcript NM_000353.3 (MANE Select); coding-DNA position 1047, one base deleted (T; older notation c.1047delT).
Protein change: p.Asn349fs; shifts the reading frame from asparagine 349.
Molecular consequence: frameshift variant.
Genome position (GRCh38, 1-based): chr16:71,569,932, A deleted on the plus strand (T on the coding strand, the reverse complement: TAT is on the minus strand). VCF-style (leftmost placement, unchanged base first): chr16-71569931-CA-C. GRCh37 (hg19) VCF-style: chr16-71603834-CA-C.
Other names: short protein forms N349fs.
Identifiers: ClinVar variation 553660 (VCV000553660.8), dbSNP rs1555537673, ClinGen allele CA658825107.

ClinVar aggregate classification (germline): Pathogenic. Review status: criteria provided, single submitter (1 of 4 stars). 2 submissions from 2 submitters: Pathogenic (1). 1 of the submissions does not count toward it. Last evaluated 2021-08-24.

Conditions:
Tyrosinemia type II (TYRSN2). Also called: KERATOSIS PALMOPLANTARIS WITH CORNEAL DYSTROPHY; OREGON TYPE TYROSINEMIA; TAT DEFICIENCY; TYROSINE AMINOTRANSFERASE DEFICIENCY; TYROSINE TRANSAMINASE DEFICIENCY. Identifiers: Orphanet 28378, MedGen C0268487, MONDO:0010160, OMIM 276600.

Submissions (2):

Labcorp Genetics (formerly Invitae), Labcorp
Classification: Pathogenic for Tyrosinemia type II. Last evaluated: 2021-08-24. Review status: criteria provided, single submitter. Criteria: Invitae Variant Classification Sherloc (09022015). Collection method: clinical testing. Allele origin: germline.
Comment: This sequence change creates a premature translational stop signal (p.Asn349Lysfs*48) in the TAT gene. While this is not anticipated to result in nonsense mediated decay, it is expected to disrupt the last 106 amino acid(s) of the TAT protein. This variant is not present in population databases (ExAC no frequency). This variant has not been reported in the literature in individuals affected with TAT-related conditions. ClinVar contains an entry for this variant (Variation ID: 553660). This variant disrupts a region of the TAT protein in which other variant(s) (p.Arg417*) have been determined to be pathogenic (PMID: 1357662, 16917729). This suggests that this is a clinically significant region of the protein, and that variants that disrupt it are likely to be disease-causing. For these reasons, this variant has been classified as Pathogenic.

Counsyl
Classification: Likely pathogenic for Tyrosinemia type II. Last evaluated: 2017-09-12. Review status: no assertion criteria provided. Collection method: clinical testing. Allele origin: unknown. Not counted in ClinVar's aggregate classification.

Literature cited by the submitters: PubMed 1357662 (cited by Labcorp Genetics (formerly Invitae), Labcorp); PubMed 16917729 (cited by Labcorp Genetics (formerly Invitae), Labcorp).